The following is an entry in ClinVar:

NM_172107.4(KCNQ2):c.149G>A (p.Arg50His)

Gene: KCNQ2 (potassium voltage-gated channel subfamily Q member 2; minus strand). Cytogenetic location: 20q13.33.
Variant type: single nucleotide variant.
Coding change: c.149G>A on transcript NM_172107.4 (MANE Select); coding-DNA position 149, G replaced by A.
Protein change: p.Arg50His; replaces arginine 50 with histidine.
Molecular consequence: missense variant.
Genome position (GRCh38, 1-based): chr20:63,472,315, C>T on the plus strand (G>A on the coding strand, the complement: KCNQ2 is on the minus strand). VCF-style: chr20-63472315-C-T. GRCh37 (hg19) VCF-style: chr20-62103668-C-T.
Other names: c.149G>A, p.Arg50His (NM_004518.6, NM_172106.3, NM_172108.5 and 1 more transcripts); short protein forms R50H.
Identifiers: ClinVar variation 425273 (VCV000425273.50), dbSNP rs1064797286, ClinGen allele CA16621792.

ClinVar aggregate classification (germline): Uncertain significance. Review status: criteria provided, multiple submitters, no conflicts (2 of 4 stars). 2 submissions from 2 submitters: Uncertain significance (2). Last evaluated 2019-09-24.

Conditions:
Early-infantile DEE. Also called: Early infantile epileptic encephalopathy with suppression bursts; Early infantile epileptic encephalopathy; Ohtahara syndrome. Identifiers: Orphanet 1934, MedGen C0393706, MONDO:0800491.

Allele frequency attached by ClinVar (database versions not stated): gnomAD exomes 0.00001.
gnomAD v4.1: 7 of 1,538,490 alleles (0.00045%); highest among the groups gnomAD compares: Non-Finnish European, 0.00061%; no homozygotes.

Submissions (2):

Labcorp Genetics (formerly Invitae), Labcorp
Classification: Uncertain significance for Early-infantile DEE. Last evaluated: 2019-09-24. Review status: criteria provided, single submitter. Criteria: Invitae Variant Classification Sherloc (09022015). Collection method: clinical testing. Allele origin: germline.
Comment: In summary, the available evidence is currently insufficient to determine the role of this variant in disease. Therefore, it has been classified as a Variant of Uncertain Significance. Algorithms developed to predict the effect of missense changes on protein structure and function are either unavailable or do not agree on the potential impact of this missense change (SIFT: "Deleterious"; PolyPhen-2: "Probably Damaging"; Align-GVGD: "Class C0"). This variant has not been reported in the literature in individuals with KCNQ2-related conditions. ClinVar contains an entry for this variant (Variation ID: 425273). The frequency data for this variant in the population databases is considered unreliable, as metrics indicate insufficient coverage at this position in the ExAC database. This sequence change replaces arginine with histidine at codon 50 of the KCNQ2 protein (p.Arg50His). The arginine residue is moderately conserved and there is a small physicochemical difference between arginine and histidine.

CeGaT Center for Human Genetics Tuebingen
Classification: Uncertain significance. Last evaluated: 2016-09-01. Review status: criteria provided, single submitter. Criteria: CeGaT Center For Human Genetics Tuebingen Variant Classification Criteria Version 2. Collection method: clinical testing. Allele origin: germline. Affected: yes. Observed: 1 variant allele.